The following is an entry in ClinVar:

NM_001267550.2(TTN):c.69866_69869dup (p.Asp23290fs)

Genes: TTN-AS1 (TTN antisense RNA 1; plus strand), TTN (titin; minus strand), LOC126806422 (BRD4-independent group 4 enhancer GRCh37_chr2:179440205-179441404; plus strand). Cytogenetic location: 2q31.2.
Variant type: Duplication.
Coding change: c.69866_69869dup on transcript NM_001267550.2 (MANE Select); coding-DNA positions 69866 to 69869, 4 bases duplicated (AAGA; older notation c.69866_69869dupAAGA).
Protein change: p.Asp23290fs; shifts the reading frame from aspartic acid 23290.
Molecular consequence: frameshift variant.
Genome position (GRCh38, 1-based): chr2:178,576,263-178,576,266, TCTT duplicated on the plus strand (AAGA on the coding strand, the reverse complement: TTN is on the minus strand); duplicating any 4 consecutive bases within chr2:178,576,263-178,576,267 gives the same sequence; the c. name uses the placement nearest the transcript's 3' end. VCF-style (leftmost placement, unchanged base first): chr2-178576262-A-ATCTT. GRCh37 (hg19) VCF-style: chr2-179440989-A-ATCTT.
Other names: c.64943_64946dup, p.Asp21649fs (NM_001256850.1); c.42671_42674dup, p.Asp14225fs (NM_003319.4); c.62162_62165dup, p.Asp20722fs (NM_133378.4); c.43046_43049dup, p.Asp14350fs (NM_133432.3); c.43247_43250dup, p.Asp14417fs (NM_133437.4); short protein forms D14417fs, D20722fs, D21649fs, D23290fs, D14350fs, D14225fs.
Identifiers: ClinVar variation 1477297 (VCV001477297.8), dbSNP rs2154172862, ClinGen allele CA2573134325.

ClinVar aggregate classification (germline): Likely pathogenic (1 of 4 stars; one submission).

Conditions:
Dilated cardiomyopathy 1G (CMD1G). Identifiers: Orphanet 154, MedGen C1858763, MONDO:0011400, OMIM 604145.
Autosomal recessive limb-girdle muscular dystrophy type 2J (LGMDR10). Also called: MUSCULAR DYSTROPHY, LIMB-GIRDLE, AUTOSOMAL RECESSIVE 10; Limb-girdle muscular dystrophy, type 2J. Identifiers: Orphanet 140922, MedGen C1837342, MONDO:0012127, OMIM 608807.

Submission:

Labcorp Genetics (formerly Invitae), Labcorp
Classification: Likely pathogenic for Dilated cardiomyopathy 1G; Autosomal recessive limb-girdle muscular dystrophy type 2J. Last evaluated: 2024-10-15. Review status: criteria provided, single submitter. Criteria: Invitae Variant Classification Sherloc (09022015). Collection method: clinical testing. Allele origin: germline.
Comment: This sequence change creates a premature translational stop signal (p.Asp23290Glufs*17) in the TTN gene. While this is not anticipated to result in nonsense mediated decay, it is expected to create a truncated TTN protein. This variant is not present in population databases (gnomAD no frequency). This premature translational stop signal has been observed in individual(s) with dilated cardiomyopathy (internal data). ClinVar contains an entry for this variant (Variation ID: 1477297). This variant is located in the A band of TTN (PMID: 25589632). Truncating variants in this region are significantly overrepresented in patients affected with dilated cardiomyopathy (PMID: 25589632). Truncating variants in this region have also been reported in individuals affected with autosomal recessive centronuclear myopathy (PMID: 23975875). In summary, the currently available evidence indicates that the variant is pathogenic, but additional data are needed to prove that conclusively. Therefore, this variant has been classified as Likely Pathogenic.

Literature cited by the submitters: PubMed 25589632; PubMed 23975875.